The following is an entry in ClinVar:

ClinVar aggregate classification (germline): Pathogenic/Likely pathogenic. Review status: criteria provided, multiple submitters, no conflicts (2 of 4 stars). 7 submissions from 3 submitters: Pathogenic (1); Likely pathogenic (5). 1 of the submissions does not count toward it. Last evaluated 2024-09-06.

Conditions:
Myosin storage myopathy (CMYO7A). Also called: SCAPULOPERONEAL MUSCULAR DYSTROPHY; SCAPULOPERONEAL SYNDROME, MYOPATHIC TYPE; MYH7-related late-onset scapuloperoneal muscular dystrophy; Congenital myopathy 7A, myosin storage, autosomal dominant; MYOPATHY WITH LYSIS OF TYPE I MYOFIBRILS; Scapuloperoneal myopathy, MYH7-related. Identifiers: Orphanet 437572, Orphanet 636965, MedGen C1842160, MONDO:0008409, OMIM 608358.
Myopathy, myosin storage, autosomal recessive (CMYO7B). Also called: CONGENITAL MYOPATHY 7B, MYOSIN STORAGE, AUTOSOMAL RECESSIVE. Identifiers: Orphanet 636970, MedGen C1850709, MONDO:0009708, OMIM 255160.
Hypertrophic cardiomyopathy 1 (CMH1). Also called: MYH7-Related Familial Hypertrophic Cardiomyopathy; Familial hypertrophic cardiomyopathy 1. Identifiers: MedGen C3495498, MONDO:0008647, OMIM 192600.
MYH7-related skeletal myopathy. Also called: Laing distal myopathy; Myopathy, distal, 1; MYOPATHY, DISTAL, EARLY-ONSET, AUTOSOMAL DOMINANT; MYOPATHY, LATE DISTAL HEREDITARY; Laing early-onset distal myopathy. Identifiers: Orphanet 59135, MedGen C4552004, MONDO:0008050, OMIM 160500.
Dilated cardiomyopathy 1S (CMD1S). Identifiers: Orphanet 154, Orphanet 54260, MedGen C1834481, MONDO:0013262, OMIM 613426.
Hypertrophic cardiomyopathy. Also called: HYPERTROPHIC MYOCARDIOPATHY. Identifiers: Orphanet 217569, MedGen C0007194, MeSH D002312, MONDO:0005045, HP:0001639.

Submissions (7):

Labcorp Genetics (formerly Invitae), Labcorp
Classification: Pathogenic for Hypertrophic cardiomyopathy. Last evaluated: 2024-09-06. Review status: criteria provided, single submitter. Criteria: Invitae Variant Classification Sherloc (09022015). Collection method: clinical testing. Allele origin: germline.
Comment: This sequence change affects a splice site in intron 8 of the MYH7 gene. It is expected to disrupt RNA splicing. Variants that disrupt the donor or acceptor splice site typically lead to a loss of protein function (PMID: 16199547), however the current clinical and genetic evidence is not sufficient to establish whether loss-of-function variants in MYH7 cause disease. This variant is not present in population databases (gnomAD no frequency). Disruption of this splice site has been observed in individual(s) with autosomal dominant left ventricular noncompaction and/or Ebstein anomaly (PMID: 18506004, 27788187). It has also been observed to segregate with disease in related individuals. ClinVar contains an entry for this variant (Variation ID: 43102). Algorithms developed to predict the effect of sequence changes on RNA splicing suggest that this variant may disrupt the consensus splice site. For these reasons, this variant has been classified as Pathogenic.

Baylor Genetics
Classification: Likely pathogenic for Hypertrophic cardiomyopathy 1. Last evaluated: 2023-01-04. Review status: criteria provided, single submitter. Criteria: ACMG Guidelines, 2015. Collection method: clinical testing. Allele origin: unknown.

Baylor Genetics
Classification: Likely pathogenic for Dilated cardiomyopathy 1S. Last evaluated: 2023-01-04. Review status: criteria provided, single submitter. Criteria: ACMG Guidelines, 2015. Collection method: clinical testing. Allele origin: unknown.

Baylor Genetics
Classification: Likely pathogenic for Myosin storage myopathy. Last evaluated: 2023-01-04. Review status: criteria provided, single submitter. Criteria: ACMG Guidelines, 2015. Collection method: clinical testing. Allele origin: unknown.

Baylor Genetics
Classification: Likely pathogenic for Myopathy, myosin storage, autosomal recessive. Last evaluated: 2023-01-04. Review status: criteria provided, single submitter. Criteria: ACMG Guidelines, 2015. Collection method: clinical testing. Allele origin: unknown.

Baylor Genetics
Classification: Likely pathogenic for MYH7-related skeletal myopathy. Last evaluated: 2023-01-04. Review status: criteria provided, single submitter. Criteria: ACMG Guidelines, 2015. Collection method: clinical testing. Allele origin: unknown.

Laboratory for Molecular Medicine, Mass General Brigham Personalized Medicine
Classification: Uncertain significance. Last evaluated: 2014-04-04. Review status: flagged submission. Criteria: LMM Criteria. Collection method: clinical testing. Allele origin: germline. Observed: 1 variant allele. Not counted in ClinVar's aggregate classification.
Comment: proposed classification - variant undergoing re-assessment, contact laboratory
ClinVar note: Reason: Older claim that does not account for recent evidence

Literature cited by the submitters: PubMed 16199547 (cited by Labcorp Genetics (formerly Invitae), Labcorp); PubMed 18506004 (cited by Labcorp Genetics (formerly Invitae), Labcorp and Laboratory for Molecular Medicine, Mass General Brigham Personalized Medicine); PubMed 27788187 (cited by Labcorp Genetics (formerly Invitae), Labcorp); PubMed 21551322 (cited by Laboratory for Molecular Medicine, Mass General Brigham Personalized Medicine).

NM_000257.4(MYH7):c.732+1del

Gene: MYH7 (myosin heavy chain 7; minus strand). Cytogenetic location: 14q11.2.
Variant type: Deletion.
Coding change: c.732+1del on transcript NM_000257.4 (MANE Select); the canonical splice donor site of the intron after coding-DNA position 732, one base deleted (G; older notation c.732+1delG).
Molecular consequence: splice donor variant.
Genome position (GRCh38, 1-based): chr14:23,431,584, C deleted on the plus strand (G on the coding strand, the reverse complement: MYH7 is on the minus strand). VCF-style (leftmost placement, unchanged base first): chr14-23431583-AC-A. GRCh37 (hg19) VCF-style: chr14-23900792-AC-A.
Other names: c.732+1del (NM_001407004.1).
Identifiers: ClinVar variation 43102 (VCV000043102.17), dbSNP rs397516266, ClinGen allele CA132134.